The following is an entry in ClinVar:

NM_003743.5(NCOA1):c.3059C>T (p.Thr1020Met)

Gene: NCOA1 (nuclear receptor coactivator 1; plus strand). Cytogenetic location: 2p23.3.
Variant type: single nucleotide variant.
Coding change: c.3059C>T on transcript NM_003743.5 (MANE Select); coding-DNA position 3059, C replaced by T.
Protein change: p.Thr1020Met; replaces threonine 1020 with methionine.
Molecular consequence: missense variant.
Genome position (GRCh38, 1-based): chr2:24,729,673, C>T. VCF-style: chr2-24729673-C-T. GRCh37 (hg19) VCF-style: chr2-24952542-C-T.
Other names: c.3059C>T, p.Thr1020Met (NM_001362950.1, NM_001362952.1, NM_001362954.1 and 3 more transcripts); short protein forms T1020M.
Identifiers: ClinVar variation 3917995 (VCV003917995.2).

ClinVar aggregate classification (germline): Uncertain significance. Review status: criteria provided, multiple submitters, no conflicts (2 of 4 stars). 2 submissions from 2 submitters: Uncertain significance (2). Last evaluated 2025-05-13.

Conditions:
NCOA1-related disorder. Also called: NCOA1-related condition.

gnomAD v4.1: 73 of 1,614,062 alleles (0.0045%); highest among the groups gnomAD compares: South Asian, 0.027%; 1 homozygote.

Submissions (2):

Ambry Genetics
Classification: Uncertain significance. Last evaluated: 2025-05-13. Review status: criteria provided, single submitter. Criteria: Ambry Variant Classification Scheme 2023. Collection method: clinical testing. Allele origin: germline.

PreventionGenetics, part of Exact Sciences
Classification: Uncertain significance for NCOA1-related condition. Last evaluated: 2025-01-11. Review status: criteria provided, single submitter. Criteria: ACMG Guidelines, 2015. Collection method: clinical testing. Allele origin: germline.
Comment: The NCOA1 c.3059C>T variant is predicted to result in the amino acid substitution p.Thr1020Met. To our knowledge, this variant has not been reported in the literature. This variant is reported in 0.013% of alleles in individuals of South Asian descent in gnomAD. At this time, the clinical significance of this variant is uncertain due to the absence of conclusive functional and genetic evidence.